The following is an entry in ClinVar:

ClinVar aggregate classification (germline): Pathogenic. Review status: criteria provided, multiple submitters, no conflicts (2 of 4 stars). 6 submissions from 6 submitters: Pathogenic (5). 1 of the submissions does not count toward it. Last evaluated 2025-09-10.

Conditions:
Familial sleep-related hypermotor epilepsy. Also called: Autosomal Dominant Sleep-Related Hypermotor (Hyperkinetic) Epilepsy. Identifiers: Orphanet 98784, MedGen C3696898, MONDO:0000030.
Autosomal dominant nocturnal frontal lobe epilepsy 1. Also called: EPILEPSY, NOCTURNAL FRONTAL LOBE, TYPE 1; CHRNA4-Related Nocturnal Frontal Lobe Epilepsy, Autosomal Dominant. Identifiers: Orphanet 98784, MedGen C1838049, MONDO:0010899, OMIM 600513.

Submissions (6):

Genomic Medicine Center of Excellence, King Faisal Specialist Hospital and Research Centre
Classification: Pathogenic for Autosomal dominant nocturnal frontal lobe epilepsy 1. Last evaluated: 2025-09-10. Review status: criteria provided, single submitter. Criteria: ACMG Guidelines, 2015. Collection method: clinical testing. Allele origin: germline.

Labcorp Genetics (formerly Invitae), Labcorp
Classification: Pathogenic. Last evaluated: 2023-11-24. Review status: criteria provided, single submitter. Criteria: Invitae Variant Classification Sherloc (09022015). Collection method: clinical testing. Allele origin: germline.
Comment: This sequence change replaces serine, which is neutral and polar, with phenylalanine, which is neutral and non-polar, at codon 280 of the CHRNA4 protein (p.Ser280Phe). This variant is not present in population databases (gnomAD no frequency). This missense change has been observed in individuals with autosomaldominant nocturnal frontal lobe epilepsy (ADNFLE) (PMID: 7550350, 22036597). It has also been observed to segregate with disease in related individuals. This variant is also known as S248F. ClinVar contains an entry for this variant (Variation ID: 17498). Advanced modeling of protein sequence and biophysical properties (such as structural, functional, and spatial information, amino acid conservation, physicochemical variation, residue mobility, and thermodynamic stability) performed at Invitae indicates that this missense variant is expected to disrupt CHRNA4 protein function with a positive predictive value of 80%. Experimental studies have shown that this missense change affects CHRNA4 function (PMID: 19020039, 19237585, 22036597). For these reasons, this variant has been classified as Pathogenic.

Institute of Human Genetics, University of Leipzig Medical Center
Classification: Pathogenic for Autosomal dominant nocturnal frontal lobe epilepsy 1. Last evaluated: 2022-08-22. Review status: criteria provided, single submitter. Criteria: ACMG Guidelines, 2015. Collection method: clinical testing. Allele origin: paternal. Affected: yes.
Comment: _x000D_ Criteria applied: PS3, PS4, PP1_STR, PM2_SUP

Revvity Omics, Revvity
Classification: Pathogenic for Autosomal dominant nocturnal frontal lobe epilepsy 1. Last evaluated: 2022-08-10. Review status: criteria provided, single submitter. Criteria: ACMG Guidelines, 2015. Collection method: clinical testing. Allele origin: germline.

GeneDx
Classification: Pathogenic. Last evaluated: 2015-09-11. Review status: criteria provided, single submitter. Criteria: GeneDx Variant Classification (06012015). Collection method: clinical testing. Allele origin: germline. Affected: yes.
Comment: The S280F missense change (reported as S248F due to the use of alternate nomenclature) was initially found to segregate with ADNFLE in 21 affected individuals spanning multiple generations of a large family (Steinlein et al., 1995). It has subsequently been reported to segregate with ADNFLE in multiple other large families (Steinlein et al., 2011). The S280F variant was not observed in approximately 6500 individuals of European and African American ancestry in the NHLBI Exome Sequencing Project, indicating it is not a common benign variant in these populations. S280F is a non-conservative amino acid substitution that occurs at a conserved position in the second transmembrane domain of the protein, which forms the wall of the ionic pore. Functional studies in Xenopus oocytes suggest that S280F is a gain-of-function variant that results in increased sensitivity of the receptor to acetylcholine (Steinlein et al., 2011). Therefore, S280F in CHRNA4 is interpreted to be a pathogenic variant.

OMIM
Classification: Pathogenic for EPILEPSY, NOCTURNAL FRONTAL LOBE, TYPE 1. Last evaluated: 2008-09-09. Review status: no assertion criteria provided. Collection method: literature only. Allele origin: germline. Not counted in ClinVar's aggregate classification.

Literature cited by the submitters: PubMed 7550350 (cited by Labcorp Genetics (formerly Invitae), Labcorp); PubMed 22036597 (cited by Labcorp Genetics (formerly Invitae), Labcorp); PubMed 19020039 (cited by Labcorp Genetics (formerly Invitae), Labcorp); PubMed 19237585 (cited by Labcorp Genetics (formerly Invitae), Labcorp); PubMed 7647781 (cited by OMIM); PubMed 8833159 (cited by OMIM); PubMed 10448807 (cited by OMIM); PubMed 8696332 (cited by OMIM); PubMed 7476881 (cited by OMIM); PubMed 18685138 (cited by OMIM).

NM_000744.7(CHRNA4):c.839C>T (p.Ser280Phe)

Gene: CHRNA4 (cholinergic receptor nicotinic alpha 4 subunit; minus strand). Cytogenetic location: 20q13.33.
Variant type: single nucleotide variant.
Coding change: c.839C>T on transcript NM_000744.7 (MANE Select); coding-DNA position 839, C replaced by T.
Protein change: p.Ser280Phe; replaces serine 280 with phenylalanine.
Molecular consequence: missense variant. On other transcripts: non-coding transcript variant (1).
Genome position (GRCh38, 1-based): chr20:63,350,572, G>A on the plus strand (C>T on the coding strand, the complement: CHRNA4 is on the minus strand). VCF-style: chr20-63350572-G-A. GRCh37 (hg19) VCF-style: chr20-61981924-G-A.
Other names: S252F; c.311C>T, p.Ser104Phe (NM_001256573.2); short protein forms S280F, S104F.
Identifiers: ClinVar variation 17498 (VCV000017498.16), dbSNP rs121909580, ClinGen allele CA341465.